The following is an entry in ClinVar:

ClinVar aggregate classification (germline): Uncertain significance (1 of 4 stars; one submission).

Conditions:
Metachromatic leukodystrophy (MLD). Also called: ARSA DEFICIENCY; CEREBROSIDE SULFATASE DEFICIENCY; METACHROMATIC LEUKOENCEPHALOPATHY; SULFATIDE LIPIDOSIS; Cerebral sclerosis diffuse metachromatic form; Arylsulfatase A Deficiency. Identifiers: Orphanet 512, MedGen C0023522, MONDO:0018868, OMIM 250100.

gnomAD v4.1: 1 of 1,613,738 alleles (0.000062%); highest among the groups gnomAD compares: South Asian, 0.0011%; no homozygotes.

Submission:

Labcorp Genetics (formerly Invitae), Labcorp
Classification: Uncertain significance for Metachromatic leukodystrophy. Last evaluated: 2022-07-26. Review status: criteria provided, single submitter. Criteria: Invitae Variant Classification Sherloc (09022015). Collection method: clinical testing. Allele origin: germline.
Comment: This sequence change replaces valine, which is neutral and non-polar, with leucine, which is neutral and non-polar, at codon 391 of the ARSA protein (p.Val391Leu). This variant is not present in population databases (gnomAD no frequency). This variant has not been reported in the literature in individuals affected with ARSA-related conditions. Algorithms developed to predict the effect of missense changes on protein structure and function (SIFT, PolyPhen-2, Align-GVGD) all suggest that this variant is likely to be tolerated. In summary, the available evidence is currently insufficient to determine the role of this variant in disease. Therefore, it has been classified as a Variant of Uncertain Significance.

NM_000487.6(ARSA):c.1171G>C (p.Val391Leu)

Gene: ARSA (arylsulfatase A; minus strand). Cytogenetic location: 22q13.33.
Variant type: single nucleotide variant.
Coding change: c.1171G>C on transcript NM_000487.6 (MANE Select); coding-DNA position 1171, G replaced by C.
Protein change: p.Val391Leu; replaces valine 391 with leucine.
Molecular consequence: missense variant.
Genome position (GRCh38, 1-based): chr22:50,625,618, C>G on the plus strand (G>C on the coding strand, the complement: ARSA is on the minus strand). VCF-style: chr22-50625618-C-G. GRCh37 (hg19) VCF-style: chr22-51064046-C-G.
Other names: c.1171G>C, p.Val391Leu (NM_001085425.3, NM_001085426.3, NM_001085427.3); c.913G>C, p.Val305Leu (NM_001085428.3, NM_001362782.2); short protein forms V305L, V391L.
Identifiers: ClinVar variation 1959327 (VCV001959327.4), dbSNP rs2082651517, ClinGen allele CA412170071.